The following is an entry in ClinVar:

ClinVar aggregate classification (germline): Uncertain significance. Review status: criteria provided, multiple submitters, no conflicts (2 of 4 stars). 2 submissions from 2 submitters: Uncertain significance (2). Last evaluated 2025-01-02.

Conditions:
Spermatogenic failure 18. Identifiers: MedGen C4539783, MONDO:0054615, OMIM 617576.
Ciliary dyskinesia, primary, 37 (CILD37). Also called: CILIARY DYSKINESIA, PRIMARY, 37, WITH OR WITHOUT SITUS INVERSUS. Identifiers: MedGen C4539798, MONDO:0033204, OMIM 617577.

Allele frequency attached by ClinVar (database versions not stated): TOPMed below 0.00001; gnomAD 0.00002.
gnomAD v4.1: 26 of 1,609,714 alleles (0.0016%); highest among the groups gnomAD compares: South Asian, 0.0033%; no homozygotes.

Submissions (2):

Labcorp Genetics (formerly Invitae), Labcorp
Classification: Uncertain significance for Ciliary dyskinesia, primary, 37; Spermatogenic failure 18. Last evaluated: 2025-01-02. Review status: criteria provided, single submitter. Criteria: Invitae Variant Classification Sherloc (09022015). Collection method: clinical testing. Allele origin: germline.
Comment: This sequence change replaces arginine, which is basic and polar, with cysteine, which is neutral and slightly polar, at codon 3651 of the DNAH1 protein (p.Arg3651Cys). This variant is present in population databases (no rsID available, gnomAD 0.01%). This variant has not been reported in the literature in individuals affected with DNAH1-related conditions. ClinVar contains an entry for this variant (Variation ID: 2284458). Invitae Evidence Modeling of protein sequence and biophysical properties (such as structural, functional, and spatial information, amino acid conservation, physicochemical variation, residue mobility, and thermodynamic stability) indicates that this missense variant is expected to disrupt DNAH1 protein function with a positive predictive value of 80%. In summary, the available evidence is currently insufficient to determine the role of this variant in disease. Therefore, it has been classified as a Variant of Uncertain Significance.

Ambry Genetics
Classification: Uncertain significance. Last evaluated: 2022-04-15. Review status: criteria provided, single submitter. Criteria: Ambry Variant Classification Scheme 2023. Collection method: clinical testing. Allele origin: germline.

NM_015512.5(DNAH1):c.10951C>T (p.Arg3651Cys)

Gene: DNAH1 (dynein axonemal heavy chain 1; plus strand). Cytogenetic location: 3p21.1.
Variant type: single nucleotide variant.
Coding change: c.10951C>T on transcript NM_015512.5 (MANE Select); coding-DNA position 10951, C replaced by T.
Protein change: p.Arg3651Cys; replaces arginine 3651 with cysteine.
Molecular consequence: missense variant.
Genome position (GRCh38, 1-based): chr3:52,395,042, C>T. VCF-style: chr3-52395042-C-T. GRCh37 (hg19) VCF-style: chr3-52429058-C-T.
Other names: short protein forms R3651C.
Identifiers: ClinVar variation 2284458 (VCV002284458.4), dbSNP rs1188559429, ClinGen allele CA353207065.